The following is an entry in ClinVar:

ClinVar aggregate classification (germline): Conflicting classifications of pathogenicity. Review status: criteria provided, conflicting classifications (1 of 4 stars). 4 submissions from 4 submitters: Uncertain significance (3); Likely benign (1). Last evaluated 2025-12-17.

Conditions:
Hereditary cancer-predisposing syndrome. Also called: Neoplastic Syndromes, Hereditary; Tumor predisposition; Hereditary neoplastic syndrome; Hereditary Cancer Syndrome. Identifiers: Orphanet 140162, MedGen C0027672, MeSH D009386, MONDO:0015356.
Neuroblastoma, susceptibility to, 3. Also called: ALK-Related Neuroblastic Tumor Susceptibility. Identifiers: Orphanet 635, MedGen C2751681, MONDO:0013083, OMIM 613014.

Allele frequency attached by ClinVar (database versions not stated): gnomAD 0.00001; ExAC 0.00002; gnomAD exomes 0.00002 and 0.00004; TOPMed 0.00002.
gnomAD v4.1: 12 of 1,614,092 alleles (0.00074%); highest among the groups gnomAD compares: Admixed American, 0.02%; no homozygotes.

Submissions (4):

Labcorp Genetics (formerly Invitae), Labcorp
Classification: Uncertain significance for Neuroblastoma, susceptibility to, 3. Last evaluated: 2025-12-17. Review status: criteria provided, single submitter. Criteria: Invitae Variant Classification Sherloc (09022015). Collection method: clinical testing. Allele origin: germline.
Comment: This sequence change replaces glutamine, which is neutral and polar, with arginine, which is basic and polar, at codon 356 of the ALK protein (p.Gln356Arg). This variant is present in population databases (rs773367495, gnomAD 0.03%). This variant has not been reported in the literature in individuals affected with ALK-related conditions. ClinVar contains an entry for this variant (Variation ID: 239792). An algorithm developed to predict the effect of missense changes on protein structure and function (PolyPhen-2) suggests that this variant is likely to be disruptive. In summary, the available evidence is currently insufficient to determine the role of this variant in disease. Therefore, it has been classified as a Variant of Uncertain Significance.

Baylor Genetics
Classification: Uncertain significance for Neuroblastoma, susceptibility to, 3. Last evaluated: 2023-08-25. Review status: criteria provided, single submitter. Criteria: ACMG Guidelines, 2015. Collection method: clinical testing. Allele origin: unknown.

GeneDx
Classification: Uncertain significance. Last evaluated: 2023-06-23. Review status: criteria provided, single submitter. Criteria: GeneDx Variant Classification Process June 2021. Collection method: clinical testing. Allele origin: germline. Affected: yes.
Comment: In silico analysis supports that this missense variant does not alter protein structure/function; Has not been previously published as pathogenic or benign to our knowledge

Ambry Genetics
Classification: Likely benign for Hereditary cancer-predisposing syndrome. Last evaluated: 2022-02-12. Review status: criteria provided, single submitter. Criteria: Ambry Variant Classification Scheme 2023. Collection method: clinical testing. Allele origin: germline.

NM_004304.5(ALK):c.1067A>G (p.Gln356Arg)

Gene: ALK (ALK receptor tyrosine kinase; minus strand). Cytogenetic location: 2p23.2.
Variant type: single nucleotide variant.
Coding change: c.1067A>G on transcript NM_004304.5 (MANE Select); coding-DNA position 1067, A replaced by G.
Protein change: p.Gln356Arg; replaces glutamine 356 with arginine.
Molecular consequence: missense variant.
Genome position (GRCh38, 1-based): chr2:29,532,002, T>C on the plus strand (A>G on the coding strand, the complement: ALK is on the minus strand). VCF-style: chr2-29532002-T-C. GRCh37 (hg19) VCF-style: chr2-29754868-T-C.
Other names: short protein forms Q356R.
Identifiers: ClinVar variation 239792 (VCV000239792.14), dbSNP rs773367495, ClinGen allele CA1594770.
Genomic context (GRCh38, chr2:29,532,002, plus strand): 5'-AGGATCTCTCTTGCAGCCTCGTTGTGGGGCAGCAGCTGGGCAATGTACCTTCCAGAGGGC[T>C]GCAGGTGCCTGTGCACCGAGACGGCCAGTGTGCAGTGCTCACTGCTGCTCCTCATCCACG-3'
Protein context (NP_004295.2, residues 346-366): TLAVSVHRHL[Gln356Arg]PSGRYIAQLL